The following is an entry in ClinVar:

NM_004260.4(RECQL4):c.2081G>A (p.Gly694Asp)

Gene: RECQL4 (RecQ like helicase 4; minus strand). Cytogenetic location: 8q24.3.
Variant type: single nucleotide variant.
Coding change: c.2081G>A on transcript NM_004260.4 (MANE Select); coding-DNA position 2081, G replaced by A.
Protein change: p.Gly694Asp; replaces glycine 694 with aspartic acid.
Molecular consequence: missense variant.
Genome position (GRCh38, 1-based): chr8:144,513,690, C>T on the plus strand (G>A on the coding strand, the complement: RECQL4 is on the minus strand). VCF-style: chr8-144513690-C-T. GRCh37 (hg19) VCF-style: chr8-145739074-C-T.
Other names: short protein forms G694D.
Identifiers: ClinVar variation 529042 (VCV000529042.9), dbSNP rs887964523, ClinGen allele CA187683853.

ClinVar aggregate classification (germline): Uncertain significance. Review status: criteria provided, multiple submitters, no conflicts (2 of 4 stars). 2 submissions from 2 submitters: Uncertain significance (2). Last evaluated 2025-01-30.

Conditions:
Baller-Gerold syndrome (BGS). Also called: CRANIOSYNOSTOSIS WITH RADIAL DEFECTS. Identifiers: Orphanet 1225, MedGen C0265308, MONDO:0009039, OMIM 218600.
Inborn genetic diseases. Identifiers: MedGen C0950123, MeSH D030342.

Allele frequency attached by ClinVar (database versions not stated): gnomAD exomes below 0.00001; TOPMed 0.00002.
gnomAD v4.1: 1 of 1,547,188 alleles (0.000065%); highest among the groups gnomAD compares: Middle Eastern, 0.017%; no homozygotes.

Submissions (2):

Ambry Genetics
Classification: Uncertain significance for Inborn genetic diseases. Last evaluated: 2025-01-30. Review status: criteria provided, single submitter. Criteria: Ambry Variant Classification Scheme 2023. Collection method: clinical testing. Allele origin: germline.
Comment: The p.G694D variant (also known as c.2081G>A), located in coding exon 13 of the RECQL4 gene, results from a G to A substitution at nucleotide position 2081. The glycine at codon 694 is replaced by aspartic acid, an amino acid with similar properties. This amino acid position is conserved. In addition, the in silico prediction for this alteration is inconclusive. Based on the available evidence, the clinical significance of this variant remains unclear.

Labcorp Genetics (formerly Invitae), Labcorp
Classification: Uncertain significance for Baller-Gerold syndrome. Last evaluated: 2023-10-22. Review status: criteria provided, single submitter. Criteria: Invitae Variant Classification Sherloc (09022015). Collection method: clinical testing. Allele origin: germline.
Comment: This sequence change replaces glycine, which is neutral and non-polar, with aspartic acid, which is acidic and polar, at codon 694 of the RECQL4 protein (p.Gly694Asp). This variant is not present in population databases (gnomAD no frequency). This variant has not been reported in the literature in individuals affected with RECQL4-related conditions. ClinVar contains an entry for this variant (Variation ID: 529042). Advanced modeling of protein sequence and biophysical properties (such as structural, functional, and spatial information, amino acid conservation, physicochemical variation, residue mobility, and thermodynamic stability) performed at Invitae indicates that this missense variant is expected to disrupt RECQL4 protein function. In summary, the available evidence is currently insufficient to determine the role of this variant in disease. Therefore, it has been classified as a Variant of Uncertain Significance.